The following is an entry in ClinVar:

NM_004168.4(SDHA):c.1815T>A (p.Asp605Glu)

Gene: SDHA (succinate dehydrogenase complex flavoprotein subunit A; plus strand). Cytogenetic location: 5p15.33.
Variant type: single nucleotide variant.
Coding change: c.1815T>A on transcript NM_004168.4 (MANE Select); coding-DNA position 1815, T replaced by A.
Protein change: p.Asp605Glu; replaces aspartic acid 605 with glutamic acid.
Molecular consequence: missense variant.
Genome position (GRCh38, 1-based): chr5:254,413, T>A. VCF-style: chr5-254413-T-A. GRCh37 (hg19) VCF-style: chr5-254528-T-A.
Other names: c.1671T>A, p.Asp557Glu (NM_001294332.2); c.1572T>A, p.Asp524Glu (NM_001330758.2); short protein forms D524E, D557E, D605E.
Identifiers: ClinVar variation 3223731 (VCV003223731.1), dbSNP rs1341691681, ClinGen allele CA359001719.

ClinVar aggregate classification (germline): Uncertain significance (1 of 4 stars; one submission).

Conditions:
Hereditary cancer-predisposing syndrome. Also called: Tumor predisposition; Hereditary neoplastic syndrome; Hereditary Cancer Syndrome; Neoplastic Syndromes, Hereditary. Identifiers: Orphanet 140162, MedGen C0027672, MeSH D009386, MONDO:0015356.

Allele frequency attached by ClinVar (database versions not stated): gnomAD exomes below 0.00001.
gnomAD v4.1: 1 of 1,603,714 alleles (0.000062%); highest among the groups gnomAD compares: Admixed American, 0.0017%; no homozygotes.

Submission:

Ambry Genetics
Classification: Uncertain significance for Hereditary cancer-predisposing syndrome. Last evaluated: 2023-12-07. Review status: criteria provided, single submitter. Criteria: Ambry Variant Classification Scheme 2023. Collection method: clinical testing. Allele origin: germline.
Comment: The p.D605E variant (also known as c.1815T>A), located in coding exon 14 of the SDHA gene, results from a T to A substitution at nucleotide position 1815. The aspartic acid at codon 605 is replaced by glutamic acid, an amino acid with highly similar properties. This amino acid position is highly conserved in available vertebrate species. In addition, the in silico prediction for this alteration is inconclusive. Since supporting evidence is limited at this time, the clinical significance of this alteration remains unclear.